The following is an entry in ClinVar:

ClinVar aggregate classification (germline): Benign. Review status: reviewed by expert panel (3 of 4 stars). 26 submissions from 25 submitters: Benign (1). 25 of the submissions do not count toward it. Last evaluated 2015-08-10.

Conditions:
Breast and/or ovarian cancer. Identifiers: MedGen CN221562.
Hereditary cancer-predisposing syndrome. Also called: Neoplastic Syndromes, Hereditary; Tumor predisposition; Hereditary Cancer Syndrome; Hereditary neoplastic syndrome. Identifiers: Orphanet 140162, MedGen C0027672, MeSH D009386, MONDO:0015356.
Hereditary breast ovarian cancer syndrome. Also called: Hereditary breast and/or ovarian cancer syndrome; Hereditary breast and ovarian cancer syndrome; Hereditary breast and ovarian cancer; Hereditary breast and ovarian cancer syndrome (HBOC); Breast and ovarian cancer; BRCA1- and BRCA2-Associated Hereditary Breast and Ovarian Cancer. Identifiers: Orphanet 145, MedGen C0677776, MeSH D061325, MONDO:0003582. Disease mechanism: loss of function.
Fanconi anemia complementation group D1. Also called: BRCA2-Related Fanconi Anemia. Identifiers: Orphanet 319462, MedGen C1838457, MONDO:0011584, OMIM 605724.
Breast-ovarian cancer, familial, susceptibility to, 2 (BROVCA2). Also called: BRCA2 Hereditary Breast and Ovarian Cancer. Identifiers: Orphanet 145, MedGen C2675520, MONDO:0012933, OMIM 612555. Disease mechanism: loss of function.
Malignant tumor of breast. Also called: Malignant breast neoplasm; Cancer breast. Identifiers: MedGen C0006142, MONDO:0007254. Disease mechanism: loss of function.

Allele frequency attached by ClinVar (database versions not stated): gnomAD exomes 0.00073; ExAC 0.00087; 1000 Genomes Project 0.00200; 1000 Genomes Project 30x 0.00234; gnomAD 0.00323 and 0.00356; ESP Exome Variant Server 0.00369; TOPMed 0.00376.
gnomAD v4.1: 947 of 1,613,216 alleles (0.059%); highest among the groups gnomAD compares: African/African-American, 1.2%; 6 homozygotes.

Submissions 1 to 21 of 26:

Evidence-based Network for the Interpretation of Germline Mutant Alleles (ENIGMA)
Classification: Benign for Breast-ovarian cancer, familial 2. Last evaluated: 2015-08-10. Review status: reviewed by expert panel. Criteria: ENIGMA BRCA1/2 Classification Criteria (2015). Collection method: curation. Allele origin: germline.
Comment: IARC class based on posterior probability from multifactorial likelihood analysis, thresholds for class as per Plon et al. 2008 (PMID: 18951446). Class 1 based on posterior probability = 0.0000741

CeGaT Center for Human Genetics Tuebingen
Classification: Likely benign. Last evaluated: 2026-07-01. Review status: criteria provided, single submitter. Criteria: CeGaT Center For Human Genetics Tuebingen Variant Classification Criteria Version 2. Collection method: clinical testing. Allele origin: germline. Affected: yes. Observed: 3 variant alleles. Not counted in ClinVar's aggregate classification.
Comment: BRCA2: BP4, BS1

Labcorp Genetics (formerly Invitae), Labcorp
Classification: Benign for Hereditary breast ovarian cancer syndrome. Last evaluated: 2026-02-03. Review status: criteria provided, single submitter. Criteria: Invitae Variant Classification Sherloc (09022015). Collection method: clinical testing. Allele origin: germline. Not counted in ClinVar's aggregate classification.

Dasa
Classification: Benign. Last evaluated: 2025-11-24. Review status: criteria provided, single submitter. Criteria: DASA Assertion Criteria. Collection method: clinical testing. Allele origin: germline. Not counted in ClinVar's aggregate classification.
Comment: NM_000059.4(BRCA2):c.2960A>T (p.Asn987Ile) is interpreted as benign based on a combination of available evidence, including population frequency, and in silico models suggesting no deleterious effect. Based on the available data, this variant is classified as benign.

Center for Genomic Medicine, Rigshospitalet, Copenhagen University Hospital
Classification: Benign. Last evaluated: 2025-03-04. Review status: criteria provided, single submitter. Criteria: ACMG Guidelines, 2015. Collection method: clinical testing. Allele origin: germline. Not counted in ClinVar's aggregate classification.

ARUP Laboratories, Molecular Genetics and Genomics, ARUP Laboratories
Classification: Benign. Last evaluated: 2024-12-20. Review status: criteria provided, single submitter. Criteria: ARUP Molecular Germline Variant Investigation Process 2024. Collection method: clinical testing. Allele origin: germline. Not counted in ClinVar's aggregate classification.

Blueprint Genetics
Classification: Likely benign. Last evaluated: 2024-09-23. Review status: criteria provided, single submitter. Criteria: ACMG Guidelines, 2015. Collection method: clinical testing. Allele origin: germline. Not counted in ClinVar's aggregate classification.

KCCC/NGS Laboratory, Kuwait Cancer Control Center
Classification: Benign for Breast-ovarian cancer, familial, susceptibility to, 2. Last evaluated: 2023-07-07. Review status: criteria provided, single submitter. Criteria: ACMG Guidelines, 2015. Collection method: clinical testing. Allele origin: germline. Affected: yes. Not counted in ClinVar's aggregate classification.

CHEO Genetics Diagnostic Laboratory, Children's Hospital of Eastern Ontario
Classification: Benign for Breast and/or ovarian cancer. Last evaluated: 2022-05-03. Review status: criteria provided, single submitter. Criteria: ACMG Guidelines, 2015. Collection method: clinical testing. Allele origin: germline. Not counted in ClinVar's aggregate classification.

Illumina Laboratory Services, Illumina
Classification: Likely benign for Fanconi anemia complementation group D1. Last evaluated: 2018-02-02. Review status: criteria provided, single submitter. Criteria: ICSL Variant Classification Criteria 13 December 2019. Collection method: clinical testing. Allele origin: germline. Not counted in ClinVar's aggregate classification.
Comment: This variant was observed as part of a predisposition screen in an ostensibly healthy population. A literature search was performed for the gene, cDNA change, and amino acid change (where applicable). No publications were found based on this search. Allele frequency data from public databases allowed determination this variant is unlikely to cause disease. Therefore, this variant is classified as likely benign.

Illumina Laboratory Services, Illumina
Classification: Likely benign for Breast-ovarian cancer, familial, susceptibility to, 2. Last evaluated: 2018-02-02. Review status: criteria provided, single submitter. Criteria: ICSL Variant Classification Criteria 13 December 2019. Collection method: clinical testing. Allele origin: germline. Not counted in ClinVar's aggregate classification.
Comment: This variant was observed as part of a predisposition screen in an ostensibly healthy population. A literature search was performed for the gene, cDNA change, and amino acid change (where applicable). Publications were found based on this search. The evidence from the literature, in combination with allele frequency data from public databases where available, was sufficient to determine this variant is unlikely to cause disease. Therefore, this variant is classified as likely benign.

PreventionGenetics, part of Exact Sciences
Classification: Benign. Last evaluated: 2016-11-02. Review status: criteria provided, single submitter. Criteria: ACMG Guidelines, 2015. Collection method: clinical testing. Allele origin: germline. Not counted in ClinVar's aggregate classification.

Color Diagnostics, LLC DBA Color Health
Classification: Benign for Hereditary cancer-predisposing syndrome. Last evaluated: 2015-09-30. Review status: criteria provided, single submitter. Criteria: ACMG Guidelines, 2015. Collection method: clinical testing. Allele origin: germline. Not counted in ClinVar's aggregate classification.

Ambry Genetics
Classification: Benign for Hereditary cancer-predisposing syndrome. Last evaluated: 2014-11-19. Review status: criteria provided, single submitter. Criteria: Ambry Variant Classification Scheme 2023. Collection method: clinical testing. Allele origin: germline. Not counted in ClinVar's aggregate classification.

Molecular Genetics Laboratory, University of Michigan
Classification: Benign for Breast-ovarian cancer, familial, susceptibility to, 2. Last evaluated: 2014-11-03. Review status: criteria provided, single submitter. Criteria: ACMG Guidelines, 2015. Collection method: clinical testing. Allele origin: germline. Affected: yes. Not counted in ClinVar's aggregate classification.

Women's Health and Genetics/Laboratory Corporation of America, LabCorp
Classification: Benign for Hereditary breast ovarian cancer syndrome. Last evaluated: 2014-03-04. Review status: criteria provided, single submitter. Criteria: LabCorp Variant Classification Summary - May 2015. Collection method: clinical testing. Allele origin: germline. Not counted in ClinVar's aggregate classification.

Eurofins Ntd Llc (ga)
Classification: Benign. Last evaluated: 2014-02-17. Review status: criteria provided, single submitter. Criteria: EGL Classification Definitions 2015. Collection method: clinical testing. Allele origin: germline. Observed: 1 variant allele, 1 heterozygote. Not counted in ClinVar's aggregate classification.

GeneDx
Classification: Benign. Last evaluated: 2013-10-08. Review status: criteria provided, single submitter. Criteria: GeneDx Variant Classification (06012015). Collection method: clinical testing. Allele origin: germline. Affected: yes. Not counted in ClinVar's aggregate classification.
Comment: This variant is considered likely benign or benign based on one or more of the following criteria: it is a conservative change, it occurs at a poorly conserved position in the protein, it is predicted to be benign by multiple in silico algorithms, and/or has population frequency not consistent with disease.

Breakthrough Genomics
Classification: Benign. Review status: criteria provided, single submitter. Criteria: ACMG Guidelines, 2015. Collection method: not provided. Allele origin: germline. Inheritance: Autosomal recessive inheritance. Affected: yes. Not counted in ClinVar's aggregate classification.

Mayo Clinic Laboratories, Mayo Clinic
Classification: Benign. Last evaluated: 2018-02-28. Review status: no assertion criteria provided. Collection method: clinical testing. Allele origin: unknown. Not counted in ClinVar's aggregate classification.

Pathway Genomics
Classification: Likely benign for Breast-ovarian cancer, familial 2. Last evaluated: 2014-07-24. Review status: no assertion criteria provided. Collection method: clinical testing. Allele origin: germline. Not counted in ClinVar's aggregate classification.

NM_000059.4(BRCA2):c.2960A>T (p.Asn987Ile)

Gene: BRCA2 (BRCA2 DNA repair associated; plus strand). Cytogenetic location: 13q13.1.
Variant type: single nucleotide variant.
Coding change: c.2960A>T on transcript NM_000059.4 (MANE Select); coding-DNA position 2960, A replaced by T.
Protein change: p.Asn987Ile; replaces asparagine 987 with isoleucine.
Molecular consequence: missense variant.
Genome position (GRCh38, 1-based): chr13:32,337,315, A>T. VCF-style: chr13-32337315-A-T. GRCh37 (hg19) VCF-style: chr13-32911452-A-T.
Other names: N987I; p.N987I:AAT>ATT; 3188A>T.
Identifiers: ClinVar variation 51379 (VCV000051379.63), dbSNP rs2227944, ClinGen allele CA016915.
Genomic context (GRCh38, chr13:32,337,315, plus strand): 5'-TAGGTCAAGATTTAAAATCGGACATCTCCTTGAATATAGATAAAATACCAGAAAAAAATA[A>T]TGATTACATGAACAAATGGGCAGGACTCTTAGGTCCAATTTCAAATCACAGTTTTGGAGG-3'
Protein context (NP_000050.3, residues 977-997): LNIDKIPEKN[Asn987Ile]DYMNKWAGLL